The following is an entry in ClinVar:

ClinVar aggregate classification (germline): Uncertain significance. Review status: criteria provided, multiple submitters, no conflicts (2 of 4 stars). 4 submissions from 4 submitters: Uncertain significance (4). Last evaluated 2025-04-13.

Conditions:
Wilms tumor 1 (WT1). Also called: Wilms tumor, somatic. Identifiers: Orphanet 654, MedGen CN033288, MONDO:0008679, OMIM 194070.
Frasier syndrome. Identifiers: Orphanet 347, MedGen C0950122, MeSH D052159, MONDO:0007635, OMIM 136680.
11p partial monosomy syndrome (WAGR). Also called: WAGR Spectrum Disorder; WAGR syndrome; WAGR Complex; CHROMOSOME 11p13 DELETION SYNDROME. Identifiers: Orphanet 893, MedGen C0206115, MONDO:0008681, OMIM 194072.
Drash syndrome (DDS). Also called: NEPHROPATHY, WILMS TUMOR, AND GENITAL ANOMALIES; WILMS TUMOR AND PSEUDO- OR TRUE HERMAPHRODITISM. Identifiers: Orphanet 220, MedGen C0950121, MONDO:0008682, OMIM 194080.
Inborn genetic diseases. Identifiers: MedGen C0950123, MeSH D030342.

Submissions (4):

Ambry Genetics
Classification: Uncertain significance for Inborn genetic diseases. Last evaluated: 2025-04-13. Review status: criteria provided, single submitter. Criteria: Ambry Variant Classification Scheme 2023. Collection method: clinical testing. Allele origin: germline.
Comment: The p.H235Y variant (also known as c.703C>T), located in coding exon 2 of the WT1 gene, results from a C to T substitution at nucleotide position 703. The histidine at codon 235 is replaced by tyrosine, an amino acid with similar properties. This amino acid position is conserved. In addition, the in silico prediction for this alteration is inconclusive. Based on the available evidence, the clinical significance of this variant remains unclear.

All of Us Research Program, National Institutes of Health
Classification: Uncertain significance for Wilms tumor 1. Last evaluated: 2023-06-28. Review status: criteria provided, single submitter. Criteria: ACMG Guidelines, 2015. Collection method: clinical testing. Allele origin: germline. Inheritance: Autosomal dominant inheritance. Observed: 1 variant allele, 1 heterozygote.
Comment: This study involves interpretation of variants in research participants for the purpose of population health screening. Participant phenotype was not available at the time of variant classification. Additional details can be found in publication PMID: 35346344, PMCID: PMC8962531

GeneDx
Classification: Uncertain significance. Last evaluated: 2022-08-29. Review status: criteria provided, single submitter. Criteria: GeneDx Variant Classification Process June 2021. Collection method: clinical testing. Allele origin: germline. Affected: yes.
Comment: Not observed at significant frequency in large population cohorts (gnomAD); In silico analysis supports that this missense variant has a deleterious effect on protein structure/function; Has not been previously published as pathogenic or benign to our knowledge

Labcorp Genetics (formerly Invitae), Labcorp
Classification: Uncertain significance for Wilms tumor 1; Drash syndrome; 11p partial monosomy syndrome; Frasier syndrome. Last evaluated: 2022-05-03. Review status: criteria provided, single submitter. Criteria: Invitae Variant Classification Sherloc (09022015). Collection method: clinical testing. Allele origin: germline.
Comment: This variant is not present in population databases (gnomAD no frequency). In summary, the available evidence is currently insufficient to determine the role of this variant in disease. Therefore, it has been classified as a Variant of Uncertain Significance. Algorithms developed to predict the effect of missense changes on protein structure and function (SIFT, PolyPhen-2, Align-GVGD) all suggest that this variant is likely to be tolerated. This variant has not been reported in the literature in individuals affected with WT1-related conditions. This sequence change replaces histidine, which is basic and polar, with tyrosine, which is neutral and polar, at codon 235 of the WT1 protein (p.His235Tyr).

NM_024426.6(WT1):c.718C>T (p.His240Tyr)

Gene: WT1 (WT1 transcription factor; minus strand). Cytogenetic location: 11p13.
Variant type: single nucleotide variant.
Coding change: c.718C>T on transcript NM_024426.6 (MANE Select); coding-DNA position 718, C replaced by T.
Protein change: p.His240Tyr; replaces histidine 240 with tyrosine.
Molecular consequence: missense variant. On other transcripts: non-coding transcript variant (1).
Genome position (GRCh38, 1-based): chr11:32,428,563, G>A on the plus strand (C>T on the coding strand, the complement: WT1 is on the minus strand). VCF-style: chr11-32428563-G-A. GRCh37 (hg19) VCF-style: chr11-32450109-G-A.
Other names: c.703C>T (NM_024426.4); c.718C>T, p.His240Tyr (NM_000378.6, NM_001407044.1, NM_001407045.1 and 4 more transcripts); c.67C>T, p.His23Tyr (NM_001198551.2, NM_001198552.2); c.-45C>T (NM_001407051.1); c.703C>T, p.His235Tyr (NM_024425.2); short protein forms H23Y, H240Y, H235Y.
Identifiers: ClinVar variation 1408301 (VCV001408301.11), dbSNP rs2133075605, ClinGen allele CA379963439.